The following is an entry in ClinVar:

NM_001042492.3(NF1):c.6726_6727insGGAAA (p.Ser2243fs)

Gene: NF1 (neurofibromin 1; plus strand). Cytogenetic location: 17q11.2.
Variant type: Insertion.
Coding change: c.6726_6727insGGAAA on transcript NM_001042492.3 (MANE Select); coding-DNA positions 6726 to 6727, GGAAA inserted.
Protein change: p.Ser2243fs; shifts the reading frame from serine 2243.
Molecular consequence: frameshift variant.
Genome position: GRCh38 VCF-style: chr17-31338045-C-CAGGAA. GRCh37 (hg19) VCF-style: chr17-29665063-C-CAGGAA.
Other names: c.6663_6664insGGAAA, p.Ser2222Glyfs (NM_000267.4); short protein forms S2222fs, S2243fs.
Identifiers: ClinVar variation 527428 (VCV000527428.5), dbSNP rs1555534950, ClinGen allele CA658798759.
Genomic context (GRCh38, chr17:31,338,045, plus strand): 5'-ACAAAGGTTTTTATAAGTTCTGTGGATCTTTTAATTGCAGATTTGCATTCCAATATAATC[C>CAGGAA]ATCCCTGCAACCAAGAGCTCTTGTTGTCTTTGGGTGTATTAGCAAACGAGTGTCTCATGG-3'

ClinVar aggregate classification (germline): Pathogenic (1 of 4 stars; one submission).

Conditions:
Neurofibromatosis, type 1 (NF1). Also called: VON RECKLINGHAUSEN DISEASE; NEUROFIBROMATOSIS, TYPE I, SOMATIC; Peripheral type neurofibromatosis; Neurofibromatosis, type I. Identifiers: Orphanet 636, MedGen C0027831, MONDO:0018975, OMIM 162200. Disease mechanism: loss of function.

Submission:

Labcorp Genetics (formerly Invitae), Labcorp
Classification: Pathogenic for Neurofibromatosis, type 1. Last evaluated: 2017-12-18. Review status: criteria provided, single submitter. Criteria: Invitae Variant Classification Sherloc (09022015). Collection method: clinical testing. Allele origin: germline.
Comment: For these reasons, this variant has been classified as Pathogenic. Loss-of-function variants in NF1 are known to be pathogenic (PMID: 10712197, 23913538). This variant has not been reported in the literature in individuals with NF1-related disease. This variant is not present in population databases (ExAC no frequency). This sequence change creates a premature translational stop signal (p.Ser2222Glyfs*24) in the NF1 gene. It is expected to result in an absent or disrupted protein product.

Literature cited by the submitters: PubMed 10712197; PubMed 23913538.